The following is an entry in ClinVar:

ClinVar aggregate classification (germline): Benign/Likely benign. Review status: criteria provided, multiple submitters, no conflicts (2 of 4 stars). 4 submissions from 4 submitters: Benign (1); Likely benign (2). 1 of the submissions does not count toward it. Last evaluated 2024-11-20.

Conditions:
Prostate cancer, hereditary, 1 (HPC1). Identifiers: Orphanet 1331, MedGen C4722327, MONDO:0011098, OMIM 601518.
Prostate cancer, hereditary, 9 (HPC9). Identifiers: Orphanet 1331, MedGen C1970250, MONDO:0012597, OMIM 610997.
Hereditary cancer-predisposing syndrome. Also called: Neoplastic Syndromes, Hereditary; Tumor predisposition; Hereditary neoplastic syndrome; Hereditary Cancer Syndrome. Identifiers: Orphanet 140162, MedGen C0027672, MeSH D009386, MONDO:0015356.

gnomAD v4.1: 1 of 1,611,946 alleles (0.000062%); highest among the groups gnomAD compares: Non-Finnish European, 0.000085%; no homozygotes.

Submissions (4):

Labcorp Genetics (formerly Invitae), Labcorp
Classification: Likely benign. Last evaluated: 2024-11-20. Review status: criteria provided, single submitter. Criteria: Invitae Variant Classification Sherloc (09022015). Collection method: clinical testing. Allele origin: germline.

Myriad Genetics, Inc.
Classification: Benign for Prostate cancer, hereditary, 9. Last evaluated: 2024-10-28. Review status: criteria provided, single submitter. Criteria: Myriad Autosomal Dominant, Autosomal Recessive and X-Linked Classification Criteria (2023). Collection method: clinical testing. Allele origin: unknown.
Comment: This variant is considered benign. This variant is a silent/synonymous amino acid change and it is not expected to impact splicing.

Ambry Genetics
Classification: Likely benign for Hereditary cancer-predisposing syndrome. Last evaluated: 2017-10-23. Review status: criteria provided, single submitter. Criteria: Ambry Variant Classification Scheme 2023. Collection method: clinical testing. Allele origin: germline.

Laboratory of Virology, Microbiology,  Quality and Medical Biotechnologies, Faculty of Sciences and Techniques - Mohammedia, Hassan II University of Casablanca
Classification: Uncertain significance for Prostate cancer, hereditary, 1. Review status: no assertion criteria provided. Collection method: clinical testing. Allele origin: somatic. Affected: yes. Not counted in ClinVar's aggregate classification.

NM_006361.6(HOXB13):c.9C>G (p.Pro3=)

Gene: HOXB13 (homeobox B13; minus strand). Cytogenetic location: 17q21.32.
Variant type: single nucleotide variant.
Coding change: c.9C>G on transcript NM_006361.6 (MANE Select); coding-DNA position 9, C replaced by G.
Protein change: p.Pro3=; no amino-acid change (proline 3 retained).
Molecular consequence: synonymous variant.
Genome position (GRCh38, 1-based): chr17:48,728,585, G>C on the plus strand (C>G on the coding strand, the complement: HOXB13 is on the minus strand). VCF-style: chr17-48728585-G-C. GRCh37 (hg19) VCF-style: chr17-46805947-G-C.
Identifiers: ClinVar variation 690988 (VCV000690988.13), dbSNP rs1597935416, ClinGen allele CA500503470.
Genomic context (GRCh38, chr17:48,728,585, plus strand): 5'-CCCTCCCGCTCCCAGCAAGCCTTCGATATCCTTGGCTCCATCCAAGGTGGCATAATTGCC[G>C]GGCTCCATGGAGCCGAGGGTCGGCTCATGAGGTGCGGGGGCGGGGAATCTAGGGGGCACC-3'
Protein context (NP_006352.2, residues 1-13): ME[Pro3=]GNYATLDGAK